The following is an entry in ClinVar:

ClinVar aggregate classification (germline): Uncertain significance (0 of 4 stars; one submission).

Submission:

Department of Pathology and Laboratory Medicine, Sinai Health System
Classification: Uncertain significance. Review status: no assertion criteria provided. Collection method: clinical testing. Allele origin: unknown. Affected: yes. Study: The Canadian Open Genetics Repository (COGR).
Comment: The MYBPC1 p.Gly472Arg variant was not identified in the literature nor was it identified in dbSNP, ClinVar, Cosmic, LOVD 3.0 or in the following control databases: the 1000 Genomes Project, the NHLBI GO Exome Sequencing Project, the Exome Aggregation Consortium (August 8th 2016), or the Genome Aggregation Database (Feb 27, 2017). The p.Gly472 residue is conserved in mammals and computational analyses (PolyPhen-2, SIFT, AlignGVGD, BLOSUM, MutationTaster) provide inconsistent predictions regarding the impact to the protein; this information is not very predictive of pathogenicity. The variant occurs outside of the splicing consensus sequence and in silico or computational prediction software programs (SpliceSiteFinder, MaxEntScan, NNSPLICE, GeneSplicer) do not predict a difference in splicing. In summary, based on the above information the clinical significance of this variant cannot be determined with certainty at this time. This variant is classified as a variant of uncertain significance.

NM_002465.4(MYBPC1):c.1414G>C (p.Gly472Arg)

Gene: MYBPC1 (myosin binding protein C1; plus strand). Cytogenetic location: 12q23.2.
Variant type: single nucleotide variant.
Coding change: c.1414G>C on transcript NM_002465.4 (MANE Select); coding-DNA position 1414, G replaced by C.
Protein change: p.Gly472Arg; replaces glycine 472 with arginine.
Molecular consequence: missense variant.
Genome position (GRCh38, 1-based): chr12:101,651,281, G>C. VCF-style: chr12-101651281-G-C. GRCh37 (hg19) VCF-style: chr12-102045059-G-C.
Other names: c.1339G>C, p.Gly447Arg (NM_001254718.3, NM_001254719.3, NM_206820.4 and 1 more transcripts); c.1303G>C, p.Gly435Arg (NM_001254720.3); c.1282G>C, p.Gly428Arg (NM_001254721.3, NM_001404676.1, NM_001404678.1); c.1261G>C, p.Gly421Arg (NM_001254722.3, NM_001404680.1); c.1300G>C, p.Gly434Arg (NM_001254723.3); c.1414G>C, p.Gly472Arg (NM_001404675.1, NM_206819.4); c.1204G>C, p.Gly402Arg (NM_001404677.1, NM_001404679.1, NM_001404681.1); short protein forms G421R, G428R, G434R, G435R, G447R, G472R, G402R.
Identifiers: ClinVar variation 1050528 (VCV001050528.3), dbSNP rs2136293199, ClinGen allele CA386282478.